The following is an entry in ClinVar:

NM_000540.3(RYR1):c.5046C>T (p.His1682=)

Gene: RYR1 (ryanodine receptor 1; plus strand). Cytogenetic location: 19q13.2.
Variant type: single nucleotide variant.
Coding change: c.5046C>T on transcript NM_000540.3 (MANE Select); coding-DNA position 5046, C replaced by T.
Protein change: p.His1682=; no amino-acid change (histidine 1682 retained).
Molecular consequence: synonymous variant.
Genome position (GRCh38, 1-based): chr19:38,485,701, C>T. VCF-style: chr19-38485701-C-T. GRCh37 (hg19) VCF-style: chr19-38976341-C-T.
Other names: c.5046C>T, p.His1682= (NM_001042723.2).
Identifiers: ClinVar variation 256526 (VCV000256526.16), dbSNP rs188554722, ClinGen allele CA066634.

ClinVar aggregate classification (germline): Likely benign. Review status: criteria provided, multiple submitters, no conflicts (2 of 4 stars). 5 submissions from 5 submitters: Likely benign (5). Last evaluated 2025-08-14.

Conditions:
RYR1-related disorder. Also called: RYR1-related condition; RYR1-related disorders. Identifiers: MedGen CN239331.
Malignant hyperthermia, susceptibility to, 1 (MHS1). Also called: RYR1-Related Malignant Hyperthermia Susceptibility; Anesthesia related hyperthermia; Malignant hyperpyrexia; Fulminating hyperpyrexia; Pharmacogenic myopathy; Malignant hyperthermia suceptibility 1. Identifiers: Orphanet 423, MedGen C2930980, MONDO:0007783, OMIM 145600.

Allele frequency attached by ClinVar (database versions not stated): ExAC 0.00001; gnomAD exomes 0.00003 and 0.00006; gnomAD 0.00011; 1000 Genomes Project 30x 0.00016; TOPMed 0.00019; 1000 Genomes Project 0.00020.
gnomAD v4.1: 101 of 1,611,616 alleles (0.0063%); highest among the groups gnomAD compares: Admixed American, 0.038%; no homozygotes.

Submissions (5):

Labcorp Genetics (formerly Invitae), Labcorp
Classification: Likely benign for RYR1-related disorder. Last evaluated: 2025-08-14. Review status: criteria provided, single submitter. Criteria: Invitae Variant Classification Sherloc (09022015). Collection method: clinical testing. Allele origin: germline.

Women's Health and Genetics/Laboratory Corporation of America, LabCorp
Classification: Likely benign. Last evaluated: 2024-07-12. Review status: criteria provided, single submitter. Criteria: LabCorp Variant Classification Summary - May 2015. Collection method: clinical testing. Allele origin: germline.

All of Us Research Program, National Institutes of Health
Classification: Likely benign for Malignant hyperthermia, susceptibility to, 1. Last evaluated: 2024-02-05. Review status: criteria provided, single submitter. Criteria: ACMG Guidelines, 2015. Collection method: clinical testing. Allele origin: germline. Inheritance: Autosomal dominant inheritance. Observed: 23 variant alleles, 23 heterozygotes.
Comment: This variant is located in the RYR1 protein. To our knowledge, functional studies have not been reported for this variant. This variant has not been reported in individuals affected with RYR1-related disorders in the literature. This variant has been identified in 8/246196 chromosomes in the general population by the Genome Aggregation Database (gnomAD). The available evidence is insufficient to determine the role of this variant in disease conclusively. Therefore, this variant is classified as a Variant of Uncertain Significance.

This study involves interpretation of variants in research participants for the purpose of population health screening. Participant phenotype was not available at the time of variant classification. Additional details can be found in publication PMID: 35346344, PMCID: PMC8962531

Color Diagnostics, LLC DBA Color Health
Classification: Likely benign for Malignant hyperthermia, susceptibility to, 1. Last evaluated: 2023-05-15. Review status: criteria provided, single submitter. Criteria: ACMG Guidelines, 2015. Collection method: clinical testing. Allele origin: germline.

PreventionGenetics, part of Exact Sciences
Classification: Likely benign. Review status: criteria provided, single submitter. Criteria: ACMG Guidelines, 2015. Collection method: clinical testing. Allele origin: germline.